The following is an entry in ClinVar:

NM_001020658.2(PUM1):c.1700T>A (p.Val567Glu)

Gene: PUM1 (pumilio RNA binding family member 1; minus strand). Cytogenetic location: 1p35.2.
Variant type: single nucleotide variant.
Coding change: c.1700T>A on transcript NM_001020658.2 (MANE Select); coding-DNA position 1700, T replaced by A.
Protein change: p.Val567Glu; replaces valine 567 with glutamic acid.
Molecular consequence: missense variant.
Genome position (GRCh38, 1-based): chr1:30,967,256, A>T on the plus strand (T>A on the coding strand, the complement: PUM1 is on the minus strand). VCF-style: chr1-30967256-A-T. GRCh37 (hg19) VCF-style: chr1-31440103-A-T.
Other names: c.1700T>A, p.Val567Glu (NM_014676.3); short protein forms V567E.
Identifiers: ClinVar variation 5018430 (VCV005018430.1).
Genomic context (GRCh38, chr1:30,967,256, plus strand): 5'-ACTGGGGCAGGAGCTACAAGTCGAACAGGAGCTCCAAGACCATTTCTCGCGCCTGCATTC[A>T]CTACAAGGGCACCAGTTTGGTCATAGTAAGCAGCAGGAGCCAACACCGGATAACCTAGGA-3'
Protein context (NP_001018494.1, residues 557-577): AYYDQTGALV[Val567Glu]NAGARNGLGA

ClinVar aggregate classification (germline): Uncertain significance (1 of 4 stars; one submission).

Submission:

GeneDx
Classification: Uncertain significance. Last evaluated: 2026-04-12. Review status: criteria provided, single submitter. Criteria: GeneDx Variant Classification Process June 2021. Collection method: clinical testing. Allele origin: germline.
Comment: Not observed at significant frequency in large population cohorts (gnomAD); In silico analysis supports that this missense variant has a deleterious effect on protein structure/function; Has not been previously published as pathogenic or benign to our knowledge